The following is an entry in ClinVar:

NM_002693.3(POLG):c.3273+34G>A

Gene: POLG (DNA polymerase gamma, catalytic subunit; minus strand). Cytogenetic location: 15q26.1.
Variant type: single nucleotide variant.
Coding change: c.3273+34G>A on transcript NM_002693.3 (MANE Select); 34 bases into the intron after coding-DNA position 3273, G replaced by A.
Molecular consequence: intron variant.
Genome position (GRCh38, 1-based): chr15:89,318,897, C>T on the plus strand (G>A on the coding strand, the complement: POLG is on the minus strand). VCF-style: chr15-89318897-C-T. GRCh37 (hg19) VCF-style: chr15-89862128-C-T.
Other names: c.3273+34G>A (NM_001126131.2).
Identifiers: ClinVar variation 619375 (VCV000619375.1), dbSNP rs1567185382, ClinGen allele CA10602322.

ClinVar aggregate classification (germline): Likely benign (1 of 4 stars; one submission).

Conditions:
Progressive sclerosing poliodystrophy (MTDPS4A). Also called: Alpers-Huttenlocher Syndrome (AHS); Alpers Syndrome; ALPERS PROGRESSIVE INFANTILE POLIODYSTROPHY; Mitochondrial DNA depletion syndrome 4A (Alpers type); ALPERS DIFFUSE DEGENERATION OF CEREBRAL GRAY MATTER WITH HEPATIC CIRRHOSIS; Alpers-Huttenlocher Syndrome. Identifiers: Orphanet 726, MedGen C0205710, MONDO:0008758, OMIM 203700.

Submission:

Wong Mito Lab, Molecular and Human Genetics, Baylor College of Medicine
Classification: Likely benign for Progressive sclerosing poliodystrophy. Last evaluated: 2018-10-01. Review status: criteria provided, single submitter. Criteria: ACMG Guidelines, 2015. Collection method: clinical testing. Allele origin: germline.
Comment: The NM_002693.2:c.3273+34G>A (NP_002684.1:p.=) [GRCH38: NC_000015.10:g.89318897C>T] variant in POLG gene is interpretated to be a Likely Benign based on ACMG guidelines (PMID: 25741868). This variant meets the following evidence codes reported in the ACMG-guideline. BP4:Computational evidence/predictors indicate no impact on the POLG structure, function, or protein-protein interaction. BP6:Reputable source(s) without shared data suggest the variant is benign. Based on the evidence criteria codes applied, the variant is suggested to be Likely Benign.